The following is an entry in ClinVar:

ClinVar aggregate classification (germline): Likely benign (1 of 4 stars; one submission).

gnomAD v4.1: 70 of 1,613,104 alleles (0.0043%); highest among the groups gnomAD compares: African/African-American, 0.048%; no homozygotes.

Submission:

CeGaT Center for Human Genetics Tuebingen
Classification: Likely benign. Last evaluated: 2024-12-01. Review status: criteria provided, single submitter. Criteria: CeGaT Center For Human Genetics Tuebingen Variant Classification Criteria Version 2. Collection method: clinical testing. Allele origin: germline. Affected: yes. Observed: 1 variant allele.
Comment: LPAR6: BP4, BP7

NM_001162498.3(LPAR6):c.105T>C (p.Asn35=)

Genes: LPAR6 (lysophosphatidic acid receptor 6; minus strand), RB1 (RB transcriptional corepressor 1; plus strand). Cytogenetic location: 13q14.2.
Variant type: single nucleotide variant.
Coding change: c.105T>C on transcript NM_001162498.3 (MANE Select); coding-DNA position 105, T replaced by C.
Protein change: p.Asn35=; no amino-acid change (asparagine 35 retained).
Molecular consequence: synonymous variant. On other transcripts: intron variant (2).
Genome position (GRCh38, 1-based): chr13:48,412,319, A>G on the plus strand (T>C on the coding strand, the complement: LPAR6 is on the minus strand). VCF-style: chr13-48412319-A-G. GRCh37 (hg19) VCF-style: chr13-48986455-A-G.
Other names: c.105T>C, p.Asn35= (NM_001162497.3, NM_001377316.2, NM_001377317.2 and 1 more transcripts); c.1695+30876A>G (NM_001407165.1, NM_000321.3).
Identifiers: ClinVar variation 3771428 (VCV003771428.13).